The following is an entry in ClinVar:

NM_000049.4(ASPA):c.101G>A (p.Trp34Ter)

Genes: ASPA (aspartoacylase; plus strand), SPATA22 (spermatogenesis associated 22; minus strand). Cytogenetic location: 17p13.2.
Variant type: single nucleotide variant.
Coding change: c.101G>A on transcript NM_000049.4 (MANE Select); coding-DNA position 101, G replaced by A.
Protein change: p.Trp34Ter; replaces tryptophan 34 with a stop codon.
Molecular consequence: nonsense. On other transcripts: intron variant (2).
Genome position (GRCh38, 1-based): chr17:3,476,260, G>A. VCF-style: chr17-3476260-G-A. GRCh37 (hg19) VCF-style: chr17-3379554-G-A.
Other names: c.101G>A, p.Trp34Ter (NM_001128085.1); c.-73-6862C>T (NM_001321336.2, NM_001321337.2); c.101G>A (NM_000049.2); short protein forms W34*.
Identifiers: ClinVar variation 1402186 (VCV001402186.7), dbSNP rs2150741763, ClinGen allele CA397681213.
Genomic context (GRCh38, chr17:3,476,260, plus strand): 5'-TTGCTATCTTTGGAGGAACCCATGGGAATGAGCTAACCGGAGTATTTCTGGTTAAGCATT[G>A]GCTAGAGAATGGCGCTGAGATTCAGAGAACAGGGCTGGAGGTAAAACCATTTATTACTAA-3'

ClinVar aggregate classification (germline): Pathogenic/Likely pathogenic. Review status: criteria provided, multiple submitters, no conflicts (2 of 4 stars). 3 submissions from 3 submitters: Pathogenic (1); Likely pathogenic (2). Last evaluated 2024-05-09.

Conditions:
Spongy degeneration of central nervous system. Also called: ACY2 DEFICIENCY; AMINOACYLASE 2 DEFICIENCY; ASP DEFICIENCY; ASPA DEFICIENCY; ASPARTOACYLASE DEFICIENCY; CANAVAN-VAN BOGAERT-BERTRAND DISEASE. Identifiers: Orphanet 141, MedGen C0206307, MONDO:0010079, OMIM 271900.

Submissions (3):

Natera, Inc.
Classification: Likely pathogenic for Canavan Disease. Last evaluated: 2024-05-09. Review status: criteria provided, single submitter. Criteria: Natera Variant Classification Schema (03/2026). Collection method: clinical testing. Allele origin: germline.
Comment: The c.101G>A variant in ASPA is a nonsense variant predicted to introduce a stop codon at amino acid 34. This variant is expected to result in nonsense mediated decay, truncation, or a dysfunctional protein product. This variant is rare in the general population with a frequency below the threshold expected for the associated phenotype(s). Given the available evidence, this variant is classified as Likely Pathogenic.

Baylor Genetics
Classification: Likely pathogenic for Spongy degeneration of central nervous system. Last evaluated: 2023-10-14. Review status: criteria provided, single submitter. Criteria: ACMG Guidelines, 2015. Collection method: clinical testing. Allele origin: unknown.

Labcorp Genetics (formerly Invitae), Labcorp
Classification: Pathogenic for Spongy degeneration of central nervous system. Last evaluated: 2021-09-15. Review status: criteria provided, single submitter. Criteria: Invitae Variant Classification Sherloc (09022015). Collection method: clinical testing. Allele origin: germline.
Comment: This variant has not been reported in the literature in individuals affected with ASPA-related conditions. This variant is not present in population databases (ExAC no frequency). This sequence change creates a premature translational stop signal (p.Trp34*) in the ASPA gene. It is expected to result in an absent or disrupted protein product. Loss-of-function variants in ASPA are known to be pathogenic (PMID: 12638939). For these reasons, this variant has been classified as Pathogenic.

Literature cited by the submitters: PubMed 12638939 (cited by Labcorp Genetics (formerly Invitae), Labcorp).